The following is an entry in ClinVar:

ClinVar aggregate classification (germline): Uncertain significance (1 of 4 stars; one submission).

Submission:

Labcorp Genetics (formerly Invitae), Labcorp
Classification: Uncertain significance. Last evaluated: 2024-08-04. Review status: criteria provided, single submitter. Criteria: Invitae Variant Classification Sherloc (09022015). Collection method: clinical testing. Allele origin: germline.
Comment: This sequence change replaces isoleucine, which is neutral and non-polar, with threonine, which is neutral and polar, at codon 143 of the KIF11 protein (p.Ile143Thr). This variant is not present in population databases (gnomAD no frequency). This variant has not been reported in the literature in individuals affected with KIF11-related conditions. ClinVar contains an entry for this variant (Variation ID: 1374248). Advanced modeling of protein sequence and biophysical properties (such as structural, functional, and spatial information, amino acid conservation, physicochemical variation, residue mobility, and thermodynamic stability) performed at Invitae indicates that this missense variant is expected to disrupt KIF11 protein function with a positive predictive value of 80%. In summary, the available evidence is currently insufficient to determine the role of this variant in disease. Therefore, it has been classified as a Variant of Uncertain Significance.

NM_004523.4(KIF11):c.428T>C (p.Ile143Thr)

Gene: KIF11 (kinesin family member 11; plus strand). Cytogenetic location: 10q23.33.
Variant type: single nucleotide variant.
Coding change: c.428T>C on transcript NM_004523.4 (MANE Select); coding-DNA position 428, T replaced by C.
Protein change: p.Ile143Thr; replaces isoleucine 143 with threonine.
Molecular consequence: missense variant.
Genome position (GRCh38, 1-based): chr10:92,609,060, T>C. VCF-style: chr10-92609060-T-C. GRCh37 (hg19) VCF-style: chr10-94368817-T-C.
Other names: short protein forms I143T.
Identifiers: ClinVar variation 1374248 (VCV001374248.6), dbSNP rs2135902402, ClinGen allele CA377589305.
Genomic context (GRCh38, chr10:92,609,060, plus strand): 5'-AGTCCTTATTATAATTTCAGGATCCCTTGGCTGGTATAATTCCACGTACCCTTCATCAAA[T>C]TTTTGAGAAACTTACTGATAATGGTACTGAATTTTCAGTCAAAGTGTCTCTGTTGGAGAT-3'
Protein context (NP_004514.2, residues 133-153): AGIIPRTLHQ[Ile143Thr]FEKLTDNGTE